The following is an entry in ClinVar:

NM_018075.5(ANO10):c.132dup (p.Asp45fs)

Gene: ANO10 (anoctamin 10; minus strand). Cytogenetic location: 3p21.33.
Variant type: Duplication.
Coding change: c.132dup on transcript NM_018075.5 (MANE Select); coding-DNA position 132, one base duplicated (A; older notation c.132dupA).
Protein change: p.Asp45fs; shifts the reading frame from aspartic acid 45.
Molecular consequence: frameshift variant.
Genome position (GRCh38, 1-based): chr3:43,605,721, T duplicated on the plus strand (A on the coding strand, the reverse complement: ANO10 is on the minus strand); the first of 9 consecutive T bases (chr3:43,605,721-43,605,729); duplicating any one gives the same sequence. VCF-style (leftmost placement, unchanged base first): chr3-43605720-C-CT. GRCh37 (hg19) VCF-style: chr3-43647212-C-CT.
Other names: p.Asp45ArgfsX9; c.132dup, p.Asp45fs (NM_001204831.3, NM_001204832.3, NM_001204833.3 and 8 more transcripts); c.132dupA (NM_018075.4, NM_018075.5); c.132_133insT (NM_018075.3); short protein forms D45fs.
Identifiers: ClinVar variation 162016 (VCV000162016.104), dbSNP rs540331226, ClinGen allele CA213093.

ClinVar aggregate classification (germline): Pathogenic/Likely pathogenic. Review status: criteria provided, multiple submitters, no conflicts (2 of 4 stars). 25 submissions from 25 submitters: Pathogenic (20); Likely pathogenic (1). 4 of the submissions do not count toward it. Last evaluated 2026-08-01.

Conditions:
Abnormal central motor function. Identifiers: MedGen C4023354, HP:0011442.
Autosomal recessive cerebellar ataxia. Also called: Spinocerebellar Ataxia, Recessive; Spinocerebellar ataxia, autosomal recessive. Identifiers: Orphanet 1172, MedGen C5575375, MONDO:0015244.
ANO10-related disorder. Also called: ANO10-related condition.
Autosomal recessive spinocerebellar ataxia 10. Identifiers: Orphanet 284289, MedGen C3150998, MONDO:0013392, OMIM 613728.

Submissions 1 to 15 of 25:

CeGaT Center for Human Genetics Tuebingen
Classification: Pathogenic. Last evaluated: 2026-08-01. Review status: criteria provided, single submitter. Criteria: CeGaT Center For Human Genetics Tuebingen Variant Classification Criteria Version 2. Collection method: clinical testing. Allele origin: germline. Affected: yes. Observed: 14 variant alleles.
Comment: ANO10: PM3:Very Strong, PVS1, PM2

PreventionGenetics, part of Exact Sciences
Classification: Pathogenic for ANO10-related condition. Last evaluated: 2026-02-17. Review status: criteria provided, single submitter. Criteria: ACMG Guidelines, 2015. Collection method: clinical testing. Allele origin: germline.
Comment: The ANO10 c.132dupA variant is predicted to result in a frameshift and premature protein termination (p.Asp45Argfs*9). This variant has been reported in the homozygous and compound heterozygous states in individuals with cerebellar ataxia type 3 (see for examples Renaud et al. 2014. PubMed ID: 25089919; Fogel et al. 2014. PubMed ID: 25133958 Coutelier et al. 2018. PubMed ID: 29482223). This variant is reported in 0.058% of alleles in individuals of European (Non-Finnish) descent in gnomAD. Frameshift variants in ANO10 are expected to be pathogenic, and this variant has been classified as pathogenic by the majority of independent submitters to the ClinVar database (Variation ID: 162016). Given the evidence, we interpret c.132dup (p.Asp45Argfs*9) as pathogenic.

Otogenetics
Classification: Pathogenic for Autosomal recessive spinocerebellar ataxia 10. Last evaluated: 2026-02-16. Review status: criteria provided, single submitter. Criteria: ACMG Guidelines, 2015. Collection method: clinical testing. Allele origin: germline.

3billion
Classification: Pathogenic for Autosomal recessive spinocerebellar ataxia 10. Last evaluated: 2026-01-22. Review status: criteria provided, single submitter. Criteria: ACMG Guidelines, 2015. Collection method: clinical testing. Allele origin: germline. Affected: yes.
Comment: The variant is observed at an extremely low frequency in the gnomAD v4.1.0 dataset (total allele frequency: 0.067%). Predicted Consequence/Location: Frameshift: predicted to result in a loss or disruption of normal protein function through nonsense-mediated decay (NMD) or protein truncation. Multiple pathogenic variants are reported downstream of the variant. The variant has been reported at least twice as pathogenic with clinical assertions and evidence for the classification (ClinVar ID: VCV000162016 /PMID: 25089919 /3billion dataset). Therefore, this variant is classified as Pathogenic according to the recommendation of ACMG/AMP guideline.

Labcorp Genetics (formerly Invitae), Labcorp
Classification: Pathogenic. Last evaluated: 2026-01-19. Review status: criteria provided, single submitter. Criteria: Invitae Variant Classification Sherloc (09022015). Collection method: clinical testing. Allele origin: germline.
Comment: This sequence change creates a premature translational stop signal (p.Asp45Argfs*9) in the ANO10 gene. It is expected to result in an absent or disrupted protein product. Loss-of-function variants in ANO10 are known to be pathogenic (PMID: 25089919). The frequency data for this variant in the population databases is considered unreliable, as metrics indicate poor data quality at this position in the gnomAD database. This premature translational stop signal has been observed in individuals with clinical features of cerebellar ataxia (PMID: 25089919, 25133958, 25182700). This variant is also known as c.123_124insA and c.132_133insT. ClinVar contains an entry for this variant (Variation ID: 162016). For these reasons, this variant has been classified as Pathogenic.

Variantyx, Inc.
Classification: Pathogenic for Autosomal recessive spinocerebellar ataxia 10. Last evaluated: 2025-03-20. Review status: criteria provided, single submitter. Criteria: Variantyx Assertion Criteria 2022. Collection method: clinical testing. Allele origin: germline.
Comment: This is a frameshift variant in the ANO10 gene (OMIM: 613726). Pathogenic variants in this gene have been associated with autosomal recessive spinocerebellar ataxia 10. This variant introduces a premature termination codon in exon 2 out of 13. It is expected to result in loss of function, which is a known disease mechanism for ANO10 in this disorder (PMID: 25182700) (PVS1). This variant has been identified in the homozygous or compound heterozygous state in at least 8 individual(s) from the published literature (PMID: 39825153, 25089919, 25133958, 29915382, 25182700) (PM3_Strong). This variant has a 0.0816% maximum allele frequency in non-founder control populations (PM2_Supporting). Based on the current evidence, this variant is classified as pathogenic for autosomal recessive spinocerebellar ataxia 10.

Mayo Clinic Laboratories, Mayo Clinic
Classification: Pathogenic. Last evaluated: 2024-12-06. Review status: criteria provided, single submitter. Criteria: ACMG Guidelines, 2015. Collection method: clinical testing. Allele origin: germline. Observed: 1 variant allele.
Comment: PM2_supporting, PM3, PVS1

Athena Diagnostics
Classification: Pathogenic. Last evaluated: 2024-11-14. Review status: criteria provided, single submitter. Criteria: Athena Diagnostics Criteria. Collection method: clinical testing. Allele origin: unknown.
Comment: This variant is expected to result in the loss of a functional protein. The frequency of this variant in the general population is consistent with pathogenicity. In multiple individuals with clinical features associated with this gene, this variant has been seen with a single recessive pathogenic variant in the same gene.

Blueprint Genetics
Classification: Pathogenic for ANO10-related disorders. Last evaluated: 2024-11-13. Review status: criteria provided, single submitter. Criteria: ACMG Guidelines, 2015. Collection method: clinical testing. Allele origin: germline. Affected: yes. Observed: 5 variant alleles.

Fulgent Genetics
Classification: Pathogenic for Autosomal recessive spinocerebellar ataxia 10. Last evaluated: 2024-03-25. Review status: criteria provided, single submitter. Criteria: ACMG Guidelines, 2015. Collection method: clinical testing. Allele origin: germline.

Revvity Omics, Revvity
Classification: Pathogenic for Autosomal recessive spinocerebellar ataxia 10. Last evaluated: 2024-03-20. Review status: criteria provided, single submitter. Criteria: ACMG Guidelines, 2015. Collection method: clinical testing. Allele origin: germline.

Women's Health and Genetics/Laboratory Corporation of America, LabCorp
Classification: Pathogenic for Autosomal recessive spinocerebellar ataxia 10. Last evaluated: 2024-01-11. Review status: criteria provided, single submitter. Criteria: LabCorp Variant Classification Summary - May 2015. Collection method: clinical testing. Allele origin: germline.
Comment: Variant summary: ANO10 c.132dupA (p.Asp45ArgfsX9) results in a premature termination codon, predicted to cause a truncation of the encoded protein or absence of the protein due to nonsense mediated decay, which are commonly known mechanisms for disease. The frequency data for this variant in gnomAD is considered unreliable, as metrics indicate poor data quality at this position. c.132dupA has been reported in the literature in multiple individuals affected with Spinocerebellar ataxia 10 (Bogdanova-Mihaylova_2016). These data indicate that the variant is very likely to be associated with disease. The following publication has been ascertained in the context of this evaluation (PMID: 30838263). ClinVar contains an entry for this variant (Variation ID: 162016). Based on the evidence outlined above, the variant was classified as pathogenic.

GeneDx
Classification: Pathogenic. Last evaluated: 2022-05-17. Review status: criteria provided, single submitter. Criteria: GeneDx Variant Classification Process June 2021. Collection method: clinical testing. Allele origin: germline. Affected: yes.
Comment: Published functional studies suggest that the variant results in a significant reduction of ANO10 expression (Balreira et al., 2014); Frameshift variant predicted to result in protein truncation or nonsense mediated decay in a gene for which loss-of-function is a known mechanism of disease; This variant is associated with the following publications: (PMID: 25664551, 27045840, 25133958, 25664549, 30515630, 31423897, 31980526, 25182700, 25089919, 29482223, 29915382)

Genetics and Molecular Pathology, SA Pathology
Classification: Pathogenic for Autosomal recessive spinocerebellar ataxia 10. Last evaluated: 2022-01-19. Review status: criteria provided, single submitter. Criteria: ACMG Guidelines, 2015. Collection method: clinical testing. Allele origin: germline. Inheritance: Autosomal recessive inheritance. Affected: yes.
Comment: The ANO10 c.132dup variant is classified as Pathogenic (PVS1, PS4, PM3) This ANO10 c.132dup variant is located in exon 2/13 and is predicted to cause a shift in the reading frame at codon 45. The variant has been reported in probands with a clinical presentation of OMIM:613728 (PS4). This variant is present at low frequency in population databases (PM2 not met). This variant has been detected in gnomAD 68 times, but consistently reported as pathogenic / likely pathogenic in the literature. This variant has been detected in trans with a pathogenic variant for this recessive condition (PM3). This variant has been reported in trans with other pathogenic variants PMID:25089919, 25182700 The variant has been reported in dbSNP (rs540331226) and has been reported as Pathogenic/Likely pathogenic by other diagnostic laboratories (ClinVar Variation ID: 162016)

Kariminejad - Najmabadi Pathology & Genetics Center
Classification: Pathogenic for Abnormal central motor function. Last evaluated: 2021-07-10. Review status: criteria provided, single submitter. Criteria: ACMG Guidelines, 2015. Collection method: clinical testing. Allele origin: germline. Affected: yes.